The following is an entry in ClinVar:

ClinVar aggregate classification (germline): Uncertain significance. Review status: criteria provided, multiple submitters, no conflicts (2 of 4 stars). 2 submissions from 2 submitters: Uncertain significance (2). Last evaluated 2025-08-02.

Conditions:
Inborn genetic diseases. Identifiers: MedGen C0950123, MeSH D030342.
Purine-nucleoside phosphorylase deficiency. Also called: NUCLEOSIDE PHOSPHORYLASE DEFICIENCY; Immunodeficiency due to purine nucleoside phosphorylase deficiency. Identifiers: Orphanet 760, MedGen C0268125, MONDO:0013171, OMIM 613179.

Allele frequency attached by ClinVar (database versions not stated): gnomAD exomes below 0.00001 and 0.00001; gnomAD 0.00005; TOPMed 0.00001; ExAC 0.00001.
gnomAD v4.1: 13 of 1,613,990 alleles (0.00081%); highest among the groups gnomAD compares: African/African-American, 0.017%; no homozygotes.

Submissions (2):

Ambry Genetics
Classification: Uncertain significance for Inborn genetic diseases. Last evaluated: 2025-08-02. Review status: criteria provided, single submitter. Criteria: Ambry Variant Classification Scheme 2023. Collection method: clinical testing. Allele origin: germline.

Labcorp Genetics (formerly Invitae), Labcorp
Classification: Uncertain significance for Purine-nucleoside phosphorylase deficiency. Last evaluated: 2023-12-04. Review status: criteria provided, single submitter. Criteria: Invitae Variant Classification Sherloc (09022015). Collection method: clinical testing. Allele origin: germline.
Comment: This sequence change replaces alanine, which is neutral and non-polar, with glycine, which is neutral and non-polar, at codon 77 of the PNP protein (p.Ala77Gly). This variant is present in population databases (rs749436187, gnomAD 0.02%). This variant has not been reported in the literature in individuals affected with PNP-related conditions. ClinVar contains an entry for this variant (Variation ID: 656565). Advanced modeling of protein sequence and biophysical properties (such as structural, functional, and spatial information, amino acid conservation, physicochemical variation, residue mobility, and thermodynamic stability) performed at Invitae indicates that this missense variant is not expected to disrupt PNP protein function with a negative predictive value of 80%. In summary, the available evidence is currently insufficient to determine the role of this variant in disease. Therefore, it has been classified as a Variant of Uncertain Significance.

NM_000270.4(PNP):c.230C>G (p.Ala77Gly)

Gene: PNP (purine nucleoside phosphorylase; plus strand). Cytogenetic location: 14q11.2.
Variant type: single nucleotide variant.
Coding change: c.230C>G on transcript NM_000270.4 (MANE Select); coding-DNA position 230, C replaced by G.
Protein change: p.Ala77Gly; replaces alanine 77 with glycine.
Molecular consequence: missense variant.
Genome position (GRCh38, 1-based): chr14:20,474,520, C>G. VCF-style: chr14-20474520-C-G. GRCh37 (hg19) VCF-style: chr14-20942679-C-G.
Other names: short protein forms A77G.
Identifiers: ClinVar variation 656565 (VCV000656565.7), dbSNP rs749436187, ClinGen allele CA7082054.